The following is an entry in ClinVar:

ClinVar aggregate classification (germline): Uncertain significance (1 of 4 stars; one submission).

Conditions:
Hereditary cancer-predisposing syndrome. Also called: Tumor predisposition; Hereditary Cancer Syndrome; Hereditary neoplastic syndrome; Neoplastic Syndromes, Hereditary. Identifiers: Orphanet 140162, MedGen C0027672, MeSH D009386, MONDO:0015356.

Submission:

Ambry Genetics
Classification: Uncertain significance for Hereditary cancer-predisposing syndrome. Last evaluated: 2023-09-12. Review status: criteria provided, single submitter. Criteria: Ambry Variant Classification Scheme 2023. Collection method: clinical testing. Allele origin: germline.
Comment: The p.S644L variant (also known as c.1931C>T), located in coding exon 12 of the BRIP1 gene, results from a C to T substitution at nucleotide position 1931. The serine at codon 644 is replaced by leucine, an amino acid with dissimilar properties. This amino acid position is conserved. In addition, this alteration is predicted to be deleterious by in silico analysis. Since supporting evidence is limited at this time, the clinical significance of this alteration remains unclear.

NM_032043.3(BRIP1):c.1931C>T (p.Ser644Leu)

Gene: BRIP1 (BRCA1 interacting DNA helicase 1; minus strand). Cytogenetic location: 17q23.2.
Variant type: single nucleotide variant.
Coding change: c.1931C>T on transcript NM_032043.3 (MANE Select); coding-DNA position 1931, C replaced by T.
Protein change: p.Ser644Leu; replaces serine 644 with leucine.
Molecular consequence: missense variant.
Genome position (GRCh38, 1-based): chr17:61,780,265, G>A on the plus strand (C>T on the coding strand, the complement: BRIP1 is on the minus strand). VCF-style: chr17-61780265-G-A. GRCh37 (hg19) VCF-style: chr17-59857626-G-A.
Other names: short protein forms S644L.
Identifiers: ClinVar variation 2626404 (VCV002626404.2), dbSNP rs2145074473, ClinGen allele CA400479156.